The following is an entry in ClinVar:

ClinVar aggregate classification (germline): Uncertain significance (1 of 4 stars; one submission).

Allele frequency attached by ClinVar (database versions not stated): ExAC 0.00001; gnomAD 0.00001; TOPMed 0.00001.
gnomAD v4.1: 5 of 1,609,274 alleles (0.00031%); highest among the groups gnomAD compares: Admixed American, 0.0083%; no homozygotes.

Submission:

Labcorp Genetics (formerly Invitae), Labcorp
Classification: Uncertain significance. Last evaluated: 2025-02-27. Review status: criteria provided, single submitter. Criteria: Invitae Variant Classification Sherloc (09022015). Collection method: clinical testing. Allele origin: germline.
Comment: This sequence change falls in intron 9 of the VCAN gene. It does not directly change the encoded amino acid sequence of the VCAN protein. It affects a nucleotide within the consensus splice site. This variant is present in population databases (rs752434456, gnomAD 0.01%). This variant has not been reported in the literature in individuals affected with VCAN-related conditions. ClinVar contains an entry for this variant (Variation ID: 1931199). Variants that disrupt the consensus splice site are a relatively common cause of aberrant splicing (PMID: 17576681, 9536098). Algorithms developed to predict the effect of sequence changes on RNA splicing suggest that this variant is not likely to affect RNA splicing. In summary, the available evidence is currently insufficient to determine the role of this variant in disease. Therefore, it has been classified as a Variant of Uncertain Significance.

Literature cited by the submitters: PubMed 17576681; PubMed 9536098.

NM_004385.5(VCAN):c.9379+6A>T

Genes: VCAN (versican; plus strand), VCAN-AS1 (VCAN antisense RNA 1; minus strand). Cytogenetic location: 5q14.3.
Variant type: single nucleotide variant.
Coding change: c.9379+6A>T on transcript NM_004385.5 (MANE Select); 6 bases into the intron after coding-DNA position 9379, A replaced by T.
Molecular consequence: intron variant.
Genome position (GRCh38, 1-based): chr5:83,545,656, A>T. VCF-style: chr5-83545656-A-T. GRCh37 (hg19) VCF-style: chr5-82841475-A-T.
Other names: c.4117+6A>T (NM_001164098.2); c.6418+6A>T (NM_001164097.2); c.1156+6A>T (NM_001126336.3).
Identifiers: ClinVar variation 1931199 (VCV001931199.5), dbSNP rs752434456, ClinGen allele CA3333983.
Genomic context (GRCh38, chr5:83,545,656, plus strand): 5'-ACTTCCTACGTATGCACCTGTGTGCCAGGATACAGCGGAGACCAGTGTGAACTTGGTAAG[A>T]TGGTACTTGGCTGAAAAGGTGCAGTTCTTTCACAGAAGATATATTGGGGGAGAATTTATG-3'